The following is an entry in ClinVar:

NM_001348800.3(ZBTB20):c.1739G>T (p.Cys580Phe)

Gene: ZBTB20 (zinc finger and BTB domain containing 20; minus strand). Cytogenetic location: 3q13.31.
Variant type: single nucleotide variant.
Coding change: c.1739G>T on transcript NM_001348800.3 (MANE Select); coding-DNA position 1739, G replaced by T.
Protein change: p.Cys580Phe; replaces cysteine 580 with phenylalanine.
Molecular consequence: missense variant.
Genome position (GRCh38, 1-based): chr3:114,350,339, C>A on the plus strand (G>T on the coding strand, the complement: ZBTB20 is on the minus strand). VCF-style: chr3-114350339-C-A. GRCh37 (hg19) VCF-style: chr3-114069186-C-A.
Other names: c.1739G>T, p.Cys580Phe (NM_001164342.2, NM_001348803.3, NM_001393393.1 and 1 more transcripts); c.1520G>T, p.Cys507Phe (NM_001164343.2, NM_001164344.4, NM_001164345.4 and 9 more transcripts); short protein forms C507F, C580F.
Identifiers: ClinVar variation 2603704 (VCV002603704.2), dbSNP rs2550499377, ClinGen allele CA354006184.

ClinVar aggregate classification (germline): Likely pathogenic (1 of 4 stars; one submission).

Conditions:
Inborn genetic diseases. Identifiers: MedGen C0950123, MeSH D030342.

Submission:

Ambry Genetics
Classification: Likely pathogenic for Inborn genetic diseases. Last evaluated: 2023-06-20. Review status: criteria provided, single submitter. Criteria: Ambry Variant Classification Scheme 2023. Collection method: clinical testing. Allele origin: germline.
Comment: The c.1739G>T (p.C580F) alteration is located in exon 4 (coding exon 3) of the ZBTB20 gene. This alteration results from a G to T substitution at nucleotide position 1739, causing the cysteine (C) at amino acid position 580 to be replaced by a phenylalanine (F). This variant was not reported in population-based cohorts in the Genome Aggregation Database (gnomAD). Another alteration at the same codon, c.1739G>A (p.C580Y), has been detected as de novo in one fetus with isolated partial agenesis of corpus callosum (Heide, 2020). This amino acid position is highly conserved in available vertebrate species. This missense alteration is located in a region that has a low rate of benign missense variation (Lek, 2016; Firth, 2009). The in silico prediction for this alteration is inconclusive. Based on the available evidence, this alteration is classified as likely pathogenic.

Literature cited by the submitters: PubMed 32565546.